The following is an entry in ClinVar:

ClinVar aggregate classification (germline): Uncertain significance. Review status: criteria provided, multiple submitters, no conflicts (2 of 4 stars). 2 submissions from 2 submitters: Uncertain significance (2). Last evaluated 2025-06-03.

Conditions:
Inborn genetic diseases. Identifiers: MedGen C0950123, MeSH D030342.

Allele frequency attached by ClinVar (database versions not stated): gnomAD exomes 0.00001; ExAC 0.00002; gnomAD 0.00004 and 0.00005; TOPMed 0.00005; ESP Exome Variant Server 0.00008.
gnomAD v4.1: 21 of 1,614,104 alleles (0.0013%); highest among the groups gnomAD compares: African/African-American, 0.023%; no homozygotes.

Submissions (2):

Labcorp Genetics (formerly Invitae), Labcorp
Classification: Uncertain significance. Last evaluated: 2025-06-03. Review status: criteria provided, single submitter. Criteria: Invitae Variant Classification Sherloc (09022015). Collection method: clinical testing. Allele origin: germline.
Comment: This sequence change replaces histidine, which is basic and polar, with arginine, which is basic and polar, at codon 879 of the CUL7 protein (p.His879Arg). This variant is present in population databases (rs370670484, gnomAD 0.02%). This variant has not been reported in the literature in individuals affected with CUL7-related conditions. ClinVar contains an entry for this variant (Variation ID: 1038347). Invitae Evidence Modeling of protein sequence and biophysical properties (such as structural, functional, and spatial information, amino acid conservation, physicochemical variation, residue mobility, and thermodynamic stability) indicates that this missense variant is not expected to disrupt CUL7 protein function with a negative predictive value of 80%. In summary, the available evidence is currently insufficient to determine the role of this variant in disease. Therefore, it has been classified as a Variant of Uncertain Significance.

Ambry Genetics
Classification: Uncertain significance for Inborn genetic diseases. Last evaluated: 2024-10-09. Review status: criteria provided, single submitter. Criteria: Ambry Variant Classification Scheme 2023. Collection method: clinical testing. Allele origin: germline.

NM_014780.5(CUL7):c.2636A>G (p.His879Arg)

Gene: CUL7 (cullin 7; minus strand). Cytogenetic location: 6p21.1.
Variant type: single nucleotide variant.
Coding change: c.2636A>G on transcript NM_014780.5 (MANE Select); coding-DNA position 2636, A replaced by G.
Protein change: p.His879Arg; replaces histidine 879 with arginine.
Molecular consequence: missense variant.
Genome position (GRCh38, 1-based): chr6:43,046,260, T>C on the plus strand (A>G on the coding strand, the complement: CUL7 is on the minus strand). VCF-style: chr6-43046260-T-C. GRCh37 (hg19) VCF-style: chr6-43013998-T-C.
Other names: c.2732A>G, p.His911Arg (NM_001168370.2, NM_001374872.1); c.2636A>G, p.His879Arg (NM_001374873.1, NM_001374874.1); c.2636A>G (NM_014780.4); short protein forms H911R, H879R.
Identifiers: ClinVar variation 1038347 (VCV001038347.10), dbSNP rs370670484, ClinGen allele CA3813780.
Genomic context (GRCh38, chr6:43,046,260, plus strand): 5'-CACGTGTGTGGCAAAGCACATGTGTGGGAGAGTTACCTGATGAGGATGCCCCGGCGCATG[T>C]GCAGGGTGATGTAGTGGGAGCCGGCGCTGCCGTTGGACTCCCAATAGGTCTTGGGGTTGT-3'
Protein context (NP_055595.2, residues 869-889): GSAGSHYITL[His879Arg]MRRGILIRQL